The following is an entry in ClinVar:

ClinVar aggregate classification (germline): Uncertain significance (1 of 4 stars; one submission).

Conditions:
Long QT syndrome (LQTS). Identifiers: MedGen C0023976, MeSH D008133, MONDO:0002442. Disease mechanism: loss of function. Inheritance: Various modes of inheritance.

Allele frequency attached by ClinVar (database versions not stated): gnomAD 0.00001; gnomAD exomes 0.00001 and 0.00002; ExAC 0.00002; 1000 Genomes Project 30x 0.00031; 1000 Genomes Project 0.00040.
gnomAD v4.1: 11 of 1,614,078 alleles (0.00068%); highest among the groups gnomAD compares: South Asian, 0.012%; no homozygotes.

Submission:

Labcorp Genetics (formerly Invitae), Labcorp
Classification: Uncertain significance for Long QT syndrome. Last evaluated: 2025-12-19. Review status: criteria provided, single submitter. Criteria: Invitae Variant Classification Sherloc (09022015). Collection method: clinical testing. Allele origin: germline.
Comment: This sequence change replaces threonine, which is neutral and polar, with asparagine, which is neutral and polar, at codon 3366 of the ANK2 protein (p.Thr3366Asn). This variant is present in population databases (rs560594488, gnomAD 0.02%). This variant has not been reported in the literature in individuals affected with ANK2-related conditions. ClinVar contains an entry for this variant (Variation ID: 1437656). An algorithm developed to predict the effect of missense changes on protein structure and function (PolyPhen-2) suggests that this variant is likely to be tolerated. In summary, the available evidence is currently insufficient to determine the role of this variant in disease. Therefore, it has been classified as a Variant of Uncertain Significance.

NM_001148.6(ANK2):c.10097C>A (p.Thr3366Asn)

Gene: ANK2 (ankyrin 2; plus strand). Cytogenetic location: 4q26.
Variant type: single nucleotide variant.
Coding change: c.10097C>A on transcript NM_001148.6 (MANE Select); coding-DNA position 10097, C replaced by A.
Protein change: p.Thr3366Asn; replaces threonine 3366 with asparagine.
Molecular consequence: missense variant. On other transcripts: intron variant (68).
Genome position (GRCh38, 1-based): chr4:113,358,715, C>A. VCF-style: chr4-113358715-C-A. GRCh37 (hg19) VCF-style: chr4-114279871-C-A.
Other names: c.9863C>A, p.Thr3288Asn (NM_001386142.1); c.6497C>A, p.Thr2166Asn (NM_001386166.1); c.10238C>A, p.Thr3413Asn (NM_001386174.1); c.10214C>A, p.Thr3405Asn (NM_001386175.1); c.4412-2108C>A (NM_001386186.2, NM_001386148.2); c.4214-2108C>A (NM_001354269.3); c.4292-2108C>A (NM_001386187.2); c.4253-2108C>A (NM_001386147.1); and 35 more; short protein forms T2166N, T3288N, T3405N, T3413N, T3366N.
Identifiers: ClinVar variation 1437656 (VCV001437656.8), dbSNP rs560594488, ClinGen allele CA3052024.